The following is an entry in ClinVar:

ClinVar aggregate classification (germline): Uncertain significance (1 of 4 stars; one submission).

Allele frequency attached by ClinVar (database versions not stated): gnomAD 0.00001; TOPMed 0.00001; ExAC 0.00002.

Submission:

Labcorp Genetics (formerly Invitae), Labcorp
Classification: Uncertain significance. Last evaluated: 2021-12-24. Review status: criteria provided, single submitter. Criteria: Invitae Variant Classification Sherloc (09022015). Collection method: clinical testing. Allele origin: germline.
Comment: The TREM2 gene has multiple clinically relevant transcripts. This variant occurs in alternate transcript NM_001271821.1, and corresponds to NM_018965.3:c.*105G>C in the primary transcript. This sequence change replaces glutamic acid, which is acidic and polar, with glutamine, which is neutral and polar, at codon 202 of the TREM2 protein (p.Glu202Gln). This variant is present in population databases (rs752403953, gnomAD 0.002%). This variant has not been reported in the literature in individuals affected with TREM2-related conditions. Experimental studies and prediction algorithms are not available or were not evaluated, and the functional significance of this variant is currently unknown. In summary, the available evidence is currently insufficient to determine the role of this variant in disease. Therefore, it has been classified as a Variant of Uncertain Significance.

NM_018965.4(TREM2):c.*105G>C

Gene: TREM2 (triggering receptor expressed on myeloid cells 2; minus strand). Cytogenetic location: 6p21.1.
Variant type: single nucleotide variant.
Coding change: c.*105G>C on transcript NM_018965.4 (MANE Select); 105 bases downstream of the stop codon, G replaced by C.
Molecular consequence: 3 prime UTR variant. On other transcripts: missense variant (1).
Genome position (GRCh38, 1-based): chr6:41,158,659, C>G on the plus strand (G>C on the coding strand, the complement: TREM2 is on the minus strand). VCF-style: chr6-41158659-C-G. GRCh37 (hg19) VCF-style: chr6-41126397-C-G.
Other names: c.604G>C, p.Glu202Gln (NM_001271821.2); short protein forms E202Q.
Identifiers: ClinVar variation 1954186 (VCV001954186.2), dbSNP rs752403953, ClinGen allele CA3798781.